The following is an entry in ClinVar:

ClinVar aggregate classification (germline): Likely benign (0 of 4 stars; one submission).

Conditions:
SAMD9-related disorder. Also called: SAMD9-related condition.

gnomAD v4.1: 2 of 1,582,094 alleles (0.00013%); no homozygotes.

Submission:

PreventionGenetics, part of Exact Sciences
Classification: Likely benign for SAMD9-related condition. Last evaluated: 2024-08-23. Review status: no assertion criteria provided. Collection method: clinical testing. Allele origin: germline.
Comment: This variant is classified as likely benign based on ACMG/AMP sequence variant interpretation guidelines (Richards et al. 2015 PMID: 25741868, with internal and published modifications).

NM_017654.4(SAMD9):c.-4C>T

Gene: SAMD9 (sterile alpha motif domain containing 9; minus strand). Cytogenetic location: 7q21.2.
Variant type: single nucleotide variant.
Coding change: c.-4C>T on transcript NM_017654.4 (MANE Select); 4 bases upstream of the start codon, C replaced by T.
Molecular consequence: 5 prime UTR variant.
Genome position (GRCh38, 1-based): chr7:93,106,101, G>A on the plus strand (C>T on the coding strand, the complement: SAMD9 is on the minus strand). VCF-style: chr7-93106101-G-A. GRCh37 (hg19) VCF-style: chr7-92735414-G-A.
Other names: c.-4C>T (NM_001193307.2).
Identifiers: ClinVar variation 3346834 (VCV003346834.1).